The following is an entry in ClinVar:

ClinVar aggregate classification (germline): Pathogenic (1 of 4 stars; one submission).

Conditions:
Hereditary cancer-predisposing syndrome. Also called: Hereditary Cancer Syndrome; Hereditary neoplastic syndrome; Tumor predisposition; Neoplastic Syndromes, Hereditary. Identifiers: Orphanet 140162, MedGen C0027672, MeSH D009386, MONDO:0015356.

Submission:

Ambry Genetics
Classification: Pathogenic for Hereditary cancer-predisposing syndrome. Last evaluated: 2017-09-29. Review status: criteria provided, single submitter. Criteria: Ambry Variant Classification Scheme 2023. Collection method: clinical testing. Allele origin: germline.
Comment: The c.2353_2360delGAACTGAT pathogenic mutation, located in coding exon 14 of the PMS2 gene, results from a deletion of 8 nucleotides at nucleotide positions 2353 to 2360, causing a translational frameshift with a predicted alternate stop codon (p.E785Lfs*36). This alteration is expected to result in loss of function by premature protein truncation. As such, this alteration is interpreted as a disease-causing mutation.

NM_000535.7(PMS2):c.2353_2360del (p.Glu785fs)

Gene: PMS2 (PMS1 homolog 2, mismatch repair system component; minus strand). Cytogenetic location: 7p22.1.
Variant type: Deletion.
Coding change: c.2353_2360del on transcript NM_000535.7 (MANE Select); coding-DNA positions 2353 to 2360, 8 bases deleted (GAACTGAT; older notation c.2353_2360delGAACTGAT).
Protein change: p.Glu785fs; shifts the reading frame from glutamic acid 785.
Molecular consequence: frameshift variant. On other transcripts: non-coding transcript variant (1).
Genome position (GRCh38, 1-based): chr7:5,977,673-5,977,680, ATCAGTTC deleted on the plus strand (GAACTGAT on the coding strand, the reverse complement: PMS2 is on the minus strand); deleting any 8 consecutive bases within chr7:5,977,673-5,977,683 gives the same sequence; the c. name uses the placement nearest the transcript's 3' end. VCF-style (leftmost placement, unchanged base first): chr7-5977672-GATCAGTTC-G. GRCh37 (hg19) VCF-style: chr7-6017303-GATCAGTTC-G.
Other names: c.1945_1952delGATGAACT, p.Glu650Leufs (NM_001018040.1, NM_001406889.1, NM_001406890.1 and 9 more transcripts); c.1948_1955del, p.Glu650fs (NM_001322003.2, NM_001322004.2, NM_001322005.2); c.2197_2204del, p.Glu733fs (NM_001322006.2); c.2035_2042del, p.Glu679fs (NM_001322007.2, NM_001322008.2); c.1981_1988del, p.Glu661fs (NM_001322009.2); c.1792_1799del, p.Glu598fs (NM_001322010.2); c.1420_1427del, p.Glu474fs (NM_001322011.2, NM_001322012.2); c.1780_1787del, p.Glu594fs (NM_001322013.2); and 27 more; short protein forms E474fs, E661fs, E594fs, E598fs, E682fs, E796fs, E650fs, E785fs.
Identifiers: ClinVar variation 1790043 (VCV001790043.2), dbSNP rs2535324144, ClinGen allele CA2580076801.